The following is an entry in ClinVar:

ClinVar aggregate classification (germline): Uncertain significance (0 of 4 stars; one submission).

Conditions:
NCOA1-related disorder. Also called: NCOA1-related condition.

gnomAD v4.1: 2 of 1,612,828 alleles (0.00012%); highest among the groups gnomAD compares: Non-Finnish European, 0.00017%; no homozygotes.

Submission:

PreventionGenetics, part of Exact Sciences
Classification: Uncertain significance for NCOA1-related condition. Last evaluated: 2024-08-12. Review status: no assertion criteria provided. Collection method: clinical testing. Allele origin: germline.
Comment: The NCOA1 c.4291C>T variant is predicted to result in premature protein termination (p.Gln1431*). To our knowledge, this variant has not been reported in the literature, and nonsense variants have not been shown to cause disease in published studies. This variant is reported in 0.00088% of alleles in individuals of European (Non-Finnish) descent in gnomAD. At this time, the clinical significance of this variant is uncertain due to the absence of conclusive functional and genetic evidence.

NM_003743.5(NCOA1):c.4291C>T (p.Gln1431Ter)

Gene: NCOA1 (nuclear receptor coactivator 1; plus strand). Cytogenetic location: 2p23.3.
Variant type: single nucleotide variant.
Coding change: c.4291C>T on transcript NM_003743.5 (MANE Select); coding-DNA position 4291, C replaced by T.
Protein change: p.Gln1431Ter; replaces glutamine 1431 with a stop codon.
Molecular consequence: nonsense. On other transcripts: 3 prime UTR variant (5).
Genome position (GRCh38, 1-based): chr2:24,768,356, C>T. VCF-style: chr2-24768356-C-T. GRCh37 (hg19) VCF-style: chr2-24991225-C-T.
Other names: c.*148C>T (NM_001362950.1, NM_001362952.1, NM_001362955.1 and 1 more transcripts); c.*145C>T (NM_001362954.1); c.4288C>T, p.Gln1430Ter (NM_147233.2); short protein forms Q1430*, Q1431*.
Identifiers: ClinVar variation 3349109 (VCV003349109.1).